The following is an entry in ClinVar:

NM_002618.4(PEX13):c.11A>C (p.Gln4Pro)

Genes: PEX13 (peroxisomal biogenesis factor 13; plus strand), PUS10 (pseudouridine synthase 10; minus strand). Cytogenetic location: 2p15.
Variant type: single nucleotide variant.
Coding change: c.11A>C on transcript NM_002618.4 (MANE Select); coding-DNA position 11, A replaced by C.
Protein change: p.Gln4Pro; replaces glutamine 4 with proline.
Molecular consequence: missense variant. On other transcripts: intron variant (2).
Genome position (GRCh38, 1-based): chr2:61,017,770, A>C. VCF-style: chr2-61017770-A-C. GRCh37 (hg19) VCF-style: chr2-61244905-A-C.
Other names: c.-16+238T>G (NM_144709.4); c.-623+238T>G (NM_001322127.1); short protein forms Q4P.
Identifiers: ClinVar variation 1499072 (VCV001499072.8), dbSNP rs1171979724, ClinGen allele CA346936640.

ClinVar aggregate classification (germline): Uncertain significance. Review status: criteria provided, multiple submitters, no conflicts (2 of 4 stars). 3 submissions from 3 submitters: Uncertain significance (2). 1 of the submissions does not count toward it. Last evaluated 2025-06-03.

Conditions:
PEX13-related disorder. Also called: PEX13-related condition; PEX13-related disorders.
Inborn genetic diseases. Identifiers: MedGen C0950123, MeSH D030342.
Peroxisome biogenesis disorder 11A (Zellweger). Also called: Peroxisome biogenesis disorder 11A. Identifiers: Orphanet 912, MedGen C3554000, MONDO:0013949, OMIM 614883.

Allele frequency attached by ClinVar (database versions not stated): gnomAD 0.00001 and 0.00002; gnomAD exomes 0.00001; TOPMed 0.00005.
gnomAD v4.1: 23 of 1,549,384 alleles (0.0015%); highest among the groups gnomAD compares: Middle Eastern, 0.018%; no homozygotes.

Submissions (3):

Ambry Genetics
Classification: Uncertain significance for Inborn genetic diseases. Last evaluated: 2025-06-03. Review status: criteria provided, single submitter. Criteria: Ambry Variant Classification Scheme 2023. Collection method: clinical testing. Allele origin: germline.

Labcorp Genetics (formerly Invitae), Labcorp
Classification: Uncertain significance for Peroxisome biogenesis disorder 11A (Zellweger). Last evaluated: 2025-02-10. Review status: criteria provided, single submitter. Criteria: Invitae Variant Classification Sherloc (09022015). Collection method: clinical testing. Allele origin: germline.
Comment: This sequence change replaces glutamine, which is neutral and polar, with proline, which is neutral and non-polar, at codon 4 of the PEX13 protein (p.Gln4Pro). This variant is present in population databases (no rsID available, gnomAD 0.004%). This variant has not been reported in the literature in individuals affected with PEX13-related conditions. ClinVar contains an entry for this variant (Variation ID: 1499072). An algorithm developed to predict the effect of missense changes on protein structure and function (PolyPhen-2) suggests that this variant is likely to be disruptive. In summary, the available evidence is currently insufficient to determine the role of this variant in disease. Therefore, it has been classified as a Variant of Uncertain Significance.

PreventionGenetics, part of Exact Sciences
Classification: Uncertain significance for PEX13-related condition. Last evaluated: 2024-07-29. Review status: no assertion criteria provided. Collection method: clinical testing. Allele origin: germline. Not counted in ClinVar's aggregate classification.
Comment: The PEX13 c.11A>C variant is predicted to result in the amino acid substitution p.Gln4Pro. To our knowledge, this variant has not been reported in the literature. This variant is reported in 0.0041% of alleles in individuals of Latino descent in gnomAD. At this time, the clinical significance of this variant is uncertain due to the absence of conclusive functional and genetic evidence.